The following is an entry in ClinVar:

NC_000002.11:g.(?_175612852)_(175629122_?)del

Gene: CHRNA1 (cholinergic receptor nicotinic alpha 1 subunit; minus strand). Cytogenetic location: 2q31.1.
Variant type: Deletion.
Identifiers: ClinVar variation 1454489 (VCV001454489.4).

ClinVar aggregate classification (germline): Pathogenic (1 of 4 stars; one submission).

Conditions:
Lethal multiple pterygium syndrome (LMPS). Identifiers: Orphanet 33108, MedGen C1854678, MONDO:0009668, OMIM 253290.

Submission:

Labcorp Genetics (formerly Invitae), Labcorp
Classification: Pathogenic for Lethal multiple pterygium syndrome. Last evaluated: 2021-03-26. Review status: criteria provided, single submitter. Criteria: Invitae Variant Classification Sherloc (09022015). Collection method: clinical testing. Allele origin: germline.
Comment: For these reasons, this variant has been classified as Pathogenic. This variant has not been reported in the literature in individuals with CHRNA1-related conditions. A gross deletion of the genomic region encompassing the full coding sequence of the CHRNA1 gene has been identified. Loss-of-function variants in CHRNA1 are known to be pathogenic (PMID: 14719537, 15907919, 18252226). The boundaries of this event are unknown as they extend beyond the assayed region for this gene and therefore may encompass additional genes.

Literature cited by the submitters: PubMed 14719537; PubMed 15907919; PubMed 18252226.